The following is an entry in ClinVar:

ClinVar aggregate classification (germline): Uncertain significance (1 of 4 stars; one submission).

Conditions:
Intellectual disability-strabismus syndrome (NEDBGF). Also called: NEURODEVELOPMENTAL DISORDER WITH BRAIN ABNORMALITIES, POOR GROWTH, AND DYSMORPHIC FACIES. Identifiers: Orphanet 363528, MedGen C4750838, MONDO:0014119, OMIM 615286.

Allele frequency attached by ClinVar (database versions not stated): gnomAD exomes below 0.00001.
gnomAD v4.1: 1 of 1,505,866 alleles (0.000066%); highest among the groups gnomAD compares: South Asian, 0.0013%; no homozygotes.

Submission:

Baylor Genetics
Classification: Uncertain significance for Intellectual disability-strabismus syndrome. Last evaluated: 2019-08-08. Review status: criteria provided, single submitter. Criteria: ACMG Guidelines, 2015. Collection method: clinical testing. Allele origin: unknown. Affected: yes.
Comment: This variant was determined to be of uncertain significance according to ACMG Guidelines, 2015 [PMID:25741868].

NM_138422.4(ADAT3):c.54G>C (p.Glu18Asp)

Genes: ADAT3 (adenosine deaminase tRNA specific 3; plus strand), SCAMP4 (secretory carrier membrane protein 4; plus strand). Cytogenetic location: 19p13.3.
Variant type: single nucleotide variant.
Coding change: c.54G>C on transcript NM_138422.4 (MANE Select); coding-DNA position 54, G replaced by C.
Protein change: p.Glu18Asp; replaces glutamic acid 18 with aspartic acid.
Molecular consequence: missense variant. On other transcripts: intron variant (3).
Genome position (GRCh38, 1-based): chr19:1,912,101, G>C. VCF-style: chr19-1912101-G-C. GRCh37 (hg19) VCF-style: chr19-1912100-G-C.
Other names: c.6G>C, p.Glu2Asp (NM_001329533.2); c.-41-2878G>C (NM_079834.4, NM_001329540.2); c.-125-5593G>C (NM_001329539.2); short protein forms E2D, E18D.
Identifiers: ClinVar variation 1029127 (VCV001029127.1), dbSNP rs2013484636, ClinGen allele CA403168669.
Genomic context (GRCh38, chr19:1,912,101, plus strand): 5'-CCGCCGGATGATCCTCTGCTCCCGTCTCTGTCTCCCACAGTCGGCCTCGCTGAGGATGGA[G>C]CCCGCCCCGGGCCTCGTGGAGCAGCCCAAGTGCTTGGAGGCCGGGAGCCCGGAGCCTGAG-3'
Protein context (NP_612431.2, residues 8-28): CLPQSASLRM[Glu18Asp]PAPGLVEQPK